The following is an entry in ClinVar:

ClinVar aggregate classification (germline): Uncertain significance (1 of 4 stars; one submission).

gnomAD v4.1: 1 of 1,613,990 alleles (0.000062%); highest among the groups gnomAD compares: Non-Finnish European, 0.000085%; no homozygotes.

Submission:

Mayo Clinic Laboratories, Mayo Clinic
Classification: Uncertain significance. Last evaluated: 2025-05-23. Review status: criteria provided, single submitter. Criteria: ACMG Guidelines, 2015. Collection method: clinical testing. Allele origin: germline. Observed: 1 variant allele.
Comment: PP3_strong, PM2_supporting

NM_000447.3(PSEN2):c.362A>G (p.Tyr121Cys)

Gene: PSEN2 (presenilin 2; plus strand). Cytogenetic location: 1q42.13.
Variant type: single nucleotide variant.
Coding change: c.362A>G on transcript NM_000447.3 (MANE Select); coding-DNA position 362, A replaced by G.
Protein change: p.Tyr121Cys; replaces tyrosine 121 with cysteine.
Molecular consequence: missense variant.
Genome position (GRCh38, 1-based): chr1:226,885,543, A>G. VCF-style: chr1-226885543-A-G. GRCh37 (hg19) VCF-style: chr1-227073244-A-G.
Other names: p.Tyr121Cys; c.362A>G, p.Tyr121Cys (NM_001437537.1, NM_012486.3); short protein forms Y121C.
Identifiers: ClinVar variation 4542280 (VCV004542280.1).